The following is an entry in ClinVar:

ClinVar aggregate classification (germline): Uncertain significance (1 of 4 stars; one submission).

Allele frequency attached by ClinVar (database versions not stated): gnomAD 0.00001; TOPMed 0.00002.
gnomAD v4.1: 5 of 1,580,394 alleles (0.00032%); highest among the groups gnomAD compares: African/African-American, 0.0041%; no homozygotes.

Submission:

Labcorp Genetics (formerly Invitae), Labcorp
Classification: Uncertain significance. Last evaluated: 2021-12-15. Review status: criteria provided, single submitter. Criteria: Invitae Variant Classification Sherloc (09022015). Collection method: clinical testing. Allele origin: germline.
Comment: In summary, the available evidence is currently insufficient to determine the role of this variant in disease. Therefore, it has been classified as a Variant of Uncertain Significance. Algorithms developed to predict the effect of missense changes on protein structure and function are either unavailable or do not agree on the potential impact of this missense change (SIFT: "Deleterious"; PolyPhen-2: "Probably Damaging"; Align-GVGD: "Class C0"). This variant has not been reported in the literature in individuals affected with PEX11B-related conditions. This variant is not present in population databases (gnomAD no frequency). This sequence change replaces arginine, which is basic and polar, with cysteine, which is neutral and slightly polar, at codon 6 of the PEX11B protein (p.Arg6Cys).

NM_003846.3(PEX11B):c.16C>T (p.Arg6Cys)

Gene: PEX11B (peroxisomal biogenesis factor 11 beta; minus strand). Cytogenetic location: 1q21.1.
Variant type: single nucleotide variant.
Coding change: c.16C>T on transcript NM_003846.3 (MANE Select); coding-DNA position 16, C replaced by T.
Protein change: p.Arg6Cys; replaces arginine 6 with cysteine.
Molecular consequence: missense variant. On other transcripts: non-coding transcript variant (2).
Genome position (GRCh38, 1-based): chr1:145,918,673, G>A on the plus strand (C>T on the coding strand, the complement: PEX11B is on the minus strand). VCF-style: chr1-145918673-G-A. GRCh37 (hg19) VCF-style: chr1-145516416-C-T.
Other names: short protein forms R6C.
Identifiers: ClinVar variation 1958980 (VCV001958980.4), dbSNP rs1170451230, ClinGen allele CA342125340.